The following is an entry in ClinVar:

NM_001365951.3(KIF1B):c.4231C>T (p.Arg1411Ter)

Gene: KIF1B (kinesin family member 1B; plus strand). Cytogenetic location: 1p36.22.
Variant type: single nucleotide variant.
Coding change: c.4231C>T on transcript NM_001365951.3 (MANE Select); coding-DNA position 4231, C replaced by T.
Protein change: p.Arg1411Ter; replaces arginine 1411 with a stop codon.
Molecular consequence: nonsense.
Genome position (GRCh38, 1-based): chr1:10,361,752, C>T. VCF-style: chr1-10361752-C-T. GRCh37 (hg19) VCF-style: chr1-10421810-C-T.
Other names: c.4231C>T, p.Arg1411Ter (NM_001365952.1); c.4093C>T, p.Arg1365Ter (NM_015074.3); short protein forms R1411*, R1365*.
Identifiers: ClinVar variation 2497112 (VCV002497112.2), dbSNP rs2521885977, ClinGen allele CA338317473.

ClinVar aggregate classification (germline): Uncertain significance (1 of 4 stars; one submission).

Submission:

Ambry Genetics
Classification: Uncertain significance. Last evaluated: 2023-01-20. Review status: criteria provided, single submitter. Criteria: Ambry Variant Classification Scheme 2023. Collection method: clinical testing. Allele origin: germline.
Comment: The p.R1365* variant (also known as c.4093C>T), located in coding exon 37 of the KIF1B gene, results from a C to T substitution at nucleotide position 4093. This changes the amino acid from an arginine to a stop codon within coding exon 37. This alteration is expected to result in loss of function by premature protein truncation or nonsense-mediated mRNA decay. The evidence for this gene-disease relationship is limited; therefore, the clinical significance of this alteration is unclear.